The following is an entry in ClinVar:

NM_005918.4(MDH2):c.360T>G (p.Ile120Met)

Gene: MDH2 (malate dehydrogenase 2; plus strand). Cytogenetic location: 7q11.23.
Variant type: single nucleotide variant.
Coding change: c.360T>G on transcript NM_005918.4 (MANE Select); coding-DNA position 360, T replaced by G.
Protein change: p.Ile120Met; replaces isoleucine 120 with methionine.
Molecular consequence: missense variant.
Genome position (GRCh38, 1-based): chr7:76,058,009, T>G. VCF-style: chr7-76058009-T-G. GRCh37 (hg19) VCF-style: chr7-75687327-T-G.
Other names: c.360T>G, p.Ile120Met (NM_001282403.2); c.39T>G, p.Ile13Met (NM_001282404.2); short protein forms I120M, I13M.
Identifiers: ClinVar variation 2562837 (VCV002562837.2), dbSNP rs1554586515, ClinGen allele CA367764226.

ClinVar aggregate classification (germline): Uncertain significance (1 of 4 stars; one submission).

Conditions:
Inborn genetic diseases. Identifiers: MedGen C0950123, MeSH D030342.

gnomAD v4.1: 2 of 1,614,096 alleles (0.00012%); highest among the groups gnomAD compares: Admixed American, 0.0017%; no homozygotes.

Submission:

Ambry Genetics
Classification: Uncertain significance for Inborn genetic diseases. Last evaluated: 2023-05-13. Review status: criteria provided, single submitter. Criteria: Ambry Variant Classification Scheme 2023. Collection method: clinical testing. Allele origin: germline.
Comment: The p.I120M variant (also known as c.360T>G), located in coding exon 4 of the MDH2 gene, results from a T to G substitution at nucleotide position 360. The isoleucine at codon 120 is replaced by methionine, an amino acid with highly similar properties. This amino acid position is conserved. In addition, this alteration is predicted to be deleterious by in silico analysis. Since supporting evidence is limited at this time, the clinical significance of this alteration remains unclear.